The following is an entry in ClinVar:

ClinVar aggregate classification (germline): Pathogenic/Likely pathogenic. Review status: criteria provided, multiple submitters, no conflicts (2 of 4 stars). 3 submissions from 3 submitters: Pathogenic (2); Likely pathogenic (1). Last evaluated 2022-07-19.

Conditions:
Familial thoracic aortic aneurysm and aortic dissection (TAAD). Also called: Thoracic aortic aneurysms and dissections. Identifiers: Orphanet 91387, MedGen C4707243, MONDO:0019625.
Marfan syndrome (MFS). Also called: FBN1-Related Marfan Syndrome; Marfan's syndrome; MARFAN SYNDROME, TYPE I; Marfan syndrome type 1; Marfan syndrome, classic. Identifiers: Orphanet 284963, Orphanet 558, MedGen C0024796, MONDO:0007947, OMIM 154700.

Submissions (3):

Labcorp Genetics (formerly Invitae), Labcorp
Classification: Pathogenic for Marfan syndrome; Familial thoracic aortic aneurysm and aortic dissection. Last evaluated: 2022-07-19. Review status: criteria provided, single submitter. Criteria: Invitae Variant Classification Sherloc (09022015). Collection method: clinical testing. Allele origin: germline.
Comment: For these reasons, this variant has been classified as Pathogenic. This variant disrupts the p.Cys1971 amino acid residue in FBN1. Other variant(s) that disrupt this residue have been observed in individuals with FBN1-related conditions (PMID: 11700157, 11722462), which suggests that this may be a clinically significant amino acid residue. This variant affects a cysteine residue in the EGF-like, TGFBP or hybrid motif domains of FBN1. Cysteine residues are believed to be involved in intramolecular disulfide bridges and have been shown to be important for FBN1 protein structure (PMID: 16905551, 19349279). In addition, missense substitutions affecting cysteine residues within these domains are significantly overrepresented among patients with Marfan syndrome (PMID: 16571647, 17701892). Advanced modeling of protein sequence and biophysical properties (such as structural, functional, and spatial information, amino acid conservation, physicochemical variation, residue mobility, and thermodynamic stability) performed at Invitae indicates that this missense variant is expected to disrupt FBN1 protein function. ClinVar contains an entry for this variant (Variation ID: 852975). This missense change has been observed in individual(s) with Marfan syndrome (PMID: 25907466; Invitae). This variant is not present in population databases (gnomAD no frequency). This sequence change replaces cysteine, which is neutral and slightly polar, with arginine, which is basic and polar, at codon 1971 of the FBN1 protein (p.Cys1971Arg).

Ambry Genetics
Classification: Likely pathogenic for Familial thoracic aortic aneurysm and aortic dissection. Last evaluated: 2021-07-03. Review status: criteria provided, single submitter. Criteria: Ambry Variant Classification Scheme 2023. Collection method: clinical testing. Allele origin: germline.
Comment: The p.C1971R variant (also known as c.5911T>C), located in coding exon 47 of the FBN1 gene, results from a T to C substitution at nucleotide position 5911. The cysteine at codon 1971 is replaced by arginine, an amino acid with highly dissimilar properties, and is located in the cbEGF-like #29 domain. This alteration has been reported in a Marfan syndrome cohort (Proost D et al. Hum Mutat, 2015 Aug;36:808-14). Based on internal structural assessment, this alteration eliminates a structurally critical disulfide bond in the structurally sensitive EGF/cbEGF domain #29. The majority of FBN1 mutations identified to date have involved the substitution or generation of cysteine residues within cbEGF domains (Vollbrandt T et al. J Biol Chem. 2004;279(31):32924-32931). In addition, this variant is considered to be rare based on population cohorts in the Genome Aggregation Database (gnomAD).This amino acid position is highly conserved in available vertebrate species. In addition, this alteration is predicted to be deleterious by in silico analysis. Based on the majority of available evidence to date, this variant is likely to be pathogenic.

Centre of Medical Genetics, University of Antwerp
Classification: Pathogenic for Marfan syndrome. Last evaluated: 2021-03-01. Review status: criteria provided, single submitter. Criteria: Submitter's publication. Collection method: research. Allele origin: unknown. Affected: yes.
Comment: PM2, PVS2, PP4

Literature cited by the submitters: PubMed 11700157 (cited by Labcorp Genetics (formerly Invitae), Labcorp); PubMed 11722462 (cited by Labcorp Genetics (formerly Invitae), Labcorp); PubMed 16905551 (cited by Labcorp Genetics (formerly Invitae), Labcorp); PubMed 19349279 (cited by Labcorp Genetics (formerly Invitae), Labcorp); PubMed 16571647 (cited by Labcorp Genetics (formerly Invitae), Labcorp); PubMed 17701892 (cited by Labcorp Genetics (formerly Invitae), Labcorp); PubMed 25907466 (cited by Labcorp Genetics (formerly Invitae), Labcorp and Ambry Genetics).

NM_000138.5(FBN1):c.5911T>C (p.Cys1971Arg)

Gene: FBN1 (fibrillin 1; minus strand). Cytogenetic location: 15q21.1.
Variant type: single nucleotide variant.
Coding change: c.5911T>C on transcript NM_000138.5 (MANE Select); coding-DNA position 5911, T replaced by C.
Protein change: p.Cys1971Arg; replaces cysteine 1971 with arginine.
Molecular consequence: missense variant.
Genome position (GRCh38, 1-based): chr15:48,445,382, A>G on the plus strand (T>C on the coding strand, the complement: FBN1 is on the minus strand). VCF-style: chr15-48445382-A-G. GRCh37 (hg19) VCF-style: chr15-48737579-A-G.
Other names: short protein forms C1971R.
Identifiers: ClinVar variation 852975 (VCV000852975.28), dbSNP rs1555395745, ClinGen allele CA392339933.